The following is an entry in ClinVar:

NM_001846.4(COL4A2):c.415G>A (p.Gly139Arg)

Gene: COL4A2 (collagen type IV alpha 2 chain; plus strand). Cytogenetic location: 13q34.
Variant type: single nucleotide variant.
Coding change: c.415G>A on transcript NM_001846.4 (MANE Select); coding-DNA position 415, G replaced by A.
Protein change: p.Gly139Arg; replaces glycine 139 with arginine.
Molecular consequence: missense variant.
Genome position (GRCh38, 1-based): chr13:110,428,521, G>A. VCF-style: chr13-110428521-G-A. GRCh37 (hg19) VCF-style: chr13-111080868-G-A.
Other names: short protein forms G139R.
Identifiers: ClinVar variation 311101 (VCV000311101.7), dbSNP rs373792475, ClinGen allele CA7048889.

ClinVar aggregate classification (germline): Conflicting classifications of pathogenicity. Review status: criteria provided, conflicting classifications (1 of 4 stars). 2 submissions from 2 submitters: Uncertain significance (1); Likely benign (1). Last evaluated 2024-12-15.

Conditions:
Brain small vessel disease 2A, autosomal dominant. Also called: Porencephaly 2. Identifiers: Orphanet 2940, Orphanet 99810, MedGen C3280970, MONDO:0013773, OMIM 614483.

Allele frequency attached by ClinVar (database versions not stated): gnomAD exomes 0.00001 and 0.00002; TOPMed 0.00001; gnomAD 0.00002; ExAC 0.00003; ESP Exome Variant Server 0.00008.
gnomAD v4.1: 24 of 1,585,416 alleles (0.0015%); highest among the groups gnomAD compares: East Asian, 0.0024%; no homozygotes.

Submissions (2):

Labcorp Genetics (formerly Invitae), Labcorp
Classification: Uncertain significance. Last evaluated: 2024-12-15. Review status: criteria provided, single submitter. Criteria: Invitae Variant Classification Sherloc (09022015). Collection method: clinical testing. Allele origin: germline.
Comment: This sequence change replaces glycine, which is neutral and non-polar, with arginine, which is basic and polar, at codon 139 of the COL4A2 protein (p.Gly139Arg). This variant is present in population databases (rs373792475, gnomAD 0.01%). This variant has not been reported in the literature in individuals affected with COL4A2-related conditions. ClinVar contains an entry for this variant (Variation ID: 311101). Invitae Evidence Modeling of protein sequence and biophysical properties (such as structural, functional, and spatial information, amino acid conservation, physicochemical variation, residue mobility, and thermodynamic stability) indicates that this missense variant is expected to disrupt COL4A2 protein function with a positive predictive value of 80%. In summary, the available evidence is currently insufficient to determine the role of this variant in disease. Therefore, it has been classified as a Variant of Uncertain Significance.

Illumina Laboratory Services, Illumina
Classification: Likely benign for Brain small vessel disease 2A, autosomal dominant. Last evaluated: 2018-01-12. Review status: criteria provided, single submitter. Criteria: ICSL Variant Classification Criteria 13 December 2019. Collection method: clinical testing. Allele origin: germline.
Comment: This variant was observed in the ICSL laboratory as part of a predisposition screen in an ostensibly healthy population. It had not been previously curated by ICSL or reported in the Human Gene Mutation Database (HGMD: prior to June 1st, 2018), and was therefore a candidate for classification through an automated scoring system. Utilizing variant allele frequency, disease prevalence and penetrance estimates, and inheritance mode, an automated score was calculated to assess if this variant is too frequent to cause the disease. Based on the score and internal cut-off values, a variant classified as likely benign is not then subjected to further curation. The score for this variant resulted in a classification of likely benign for this disease.